The following is an entry in ClinVar:

NM_024741.3(ZNF408):c.115G>T (p.Gly39Cys)

Gene: ZNF408 (zinc finger protein 408; plus strand). Cytogenetic location: 11p11.2.
Variant type: single nucleotide variant.
Coding change: c.115G>T on transcript NM_024741.3 (MANE Select); coding-DNA position 115, G replaced by T.
Protein change: p.Gly39Cys; replaces glycine 39 with cysteine.
Molecular consequence: missense variant.
Genome position (GRCh38, 1-based): chr11:46,701,461, G>T. VCF-style: chr11-46701461-G-T. GRCh37 (hg19) VCF-style: chr11-46723011-G-T.
Other names: c.91G>T, p.Gly31Cys (NM_001184751.2); short protein forms G31C, G39C.
Identifiers: ClinVar variation 1002046 (VCV001002046.8), dbSNP rs1388603763, ClinGen allele CA380251550.
Genomic context (GRCh38, chr11:46,701,461, plus strand): 5'-CGCGAGCCGCGCCTGGGCCTGGACTTAGGATGGAACCCTTCCGGAGAAGGCTGTACGCAG[G>T]GCCTCAAAGACGTCCCACCCGAGCCGACCCGAGACATCCTCGCTTTAAAGAGCCTTCCCC-3'
Protein context (NP_079017.1, residues 29-49): WNPSGEGCTQ[Gly39Cys]LKDVPPEPTR

ClinVar aggregate classification (germline): Uncertain significance (1 of 4 stars; one submission).

Allele frequency attached by ClinVar (database versions not stated): gnomAD exomes below 0.00001; TOPMed 0.00001; gnomAD 0.00002 and 0.00003.

Submission:

Labcorp Genetics (formerly Invitae), Labcorp
Classification: Uncertain significance. Last evaluated: 2024-10-29. Review status: criteria provided, single submitter. Criteria: Invitae Variant Classification Sherloc (09022015). Collection method: clinical testing. Allele origin: germline.
Comment: This sequence change replaces glycine, which is neutral and non-polar, with cysteine, which is neutral and slightly polar, at codon 39 of the ZNF408 protein (p.Gly39Cys). This variant is not present in population databases (gnomAD no frequency). This variant has not been reported in the literature in individuals affected with ZNF408-related conditions. ClinVar contains an entry for this variant (Variation ID: 1002046). An algorithm developed to predict the effect of missense changes on protein structure and function (PolyPhen-2) suggests that this variant is likely to be tolerated. In summary, the available evidence is currently insufficient to determine the role of this variant in disease. Therefore, it has been classified as a Variant of Uncertain Significance.